The following is an entry in ClinVar:

ClinVar aggregate classification (germline): Uncertain significance (1 of 4 stars; one submission).

Conditions:
Familial thoracic aortic aneurysm and aortic dissection (TAAD). Also called: Thoracic aortic aneurysms and dissections. Identifiers: Orphanet 91387, MedGen C4707243, MONDO:0019625.

Allele frequency attached by ClinVar (database versions not stated): gnomAD exomes below 0.00001.
gnomAD v4.1: 2 of 1,612,278 alleles (0.00012%); highest among the groups gnomAD compares: Non-Finnish European, 0.00017%; no homozygotes.

Submission:

Color Diagnostics, LLC DBA Color Health
Classification: Uncertain significance for Familial thoracic aortic aneurysm and aortic dissection. Last evaluated: 2023-10-10. Review status: criteria provided, single submitter. Criteria: ACMG Guidelines, 2015. Collection method: clinical testing. Allele origin: germline.
Comment: This synonymous variant changes the last c.G nucleotide of exon 11 in the COL3A1 gene and is predicted to affect RNA splicing. To our knowledge, functional studies have not been reported for this variant. This variant has not been reported in individuals affected with cardiovascular disorders in the literature. This variant has been identified in 1/250952 chromosomes in the general population by the Genome Aggregation Database (gnomAD). The available evidence is insufficient to determine the role of this variant in disease conclusively. Therefore, this variant is classified as a Variant of Uncertain Significance.

NM_000090.4(COL3A1):c.852G>A (p.Lys284=)

Gene: COL3A1 (collagen type III alpha 1 chain; plus strand). Cytogenetic location: 2q32.2.
Variant type: single nucleotide variant.
Coding change: c.852G>A on transcript NM_000090.4 (MANE Select); coding-DNA position 852, G replaced by A.
Protein change: p.Lys284=; no amino-acid change (lysine 284 retained).
Molecular consequence: synonymous variant.
Genome position (GRCh38, 1-based): chr2:188,991,057, G>A. VCF-style: chr2-188991057-G-A. GRCh37 (hg19) VCF-style: chr2-189855783-G-A.
Identifiers: ClinVar variation 2775096 (VCV002775096.2), dbSNP rs1159254644, ClinGen allele CA430309154.